The following is an entry in ClinVar:

NM_012471.3(TRPC5):c.329G>A (p.Gly110Asp)

Gene: TRPC5 (transient receptor potential cation channel subfamily C member 5; minus strand). Cytogenetic location: Xq23.
Variant type: single nucleotide variant.
Coding change: c.329G>A on transcript NM_012471.3 (MANE Select); coding-DNA position 329, G replaced by A.
Protein change: p.Gly110Asp; replaces glycine 110 with aspartic acid.
Molecular consequence: missense variant.
Genome position (GRCh38, 1-based): chrX:111,952,092, C>T on the plus strand (G>A on the coding strand, the complement: TRPC5 is on the minus strand). VCF-style: chrX-111952092-C-T. GRCh37 (hg19) VCF-style: chrX-111195320-C-T.
Other names: short protein forms G110D.
Identifiers: ClinVar variation 2265199 (VCV002265199.3), dbSNP rs185834452, ClinGen allele CA10494434.

ClinVar aggregate classification (germline): Uncertain significance. Review status: criteria provided, multiple submitters, no conflicts (2 of 4 stars). 2 submissions from 2 submitters: Uncertain significance (2). Last evaluated 2024-12-31.

Conditions:
TRPC5-related disorder. Also called: TRPC5-related condition.

Allele frequency attached by ClinVar (database versions not stated): gnomAD exomes below 0.00001; ExAC 0.00001; gnomAD 0.00001; 1000 Genomes Project 30x 0.00042; 1000 Genomes Project 0.00053.
gnomAD v4.1: 2 of 1,210,441 alleles (0.00017%); highest among the groups gnomAD compares: African/African-American, 0.0035%; no homozygotes.

Submissions (2):

PreventionGenetics, part of Exact Sciences
Classification: Uncertain significance for TRPC5-related condition. Last evaluated: 2024-12-31. Review status: criteria provided, single submitter. Criteria: ACMG Guidelines, 2015. Collection method: clinical testing. Allele origin: germline.
Comment: The TRPC5 c.329G>A variant is predicted to result in the amino acid substitution p.Gly110Asp. To our knowledge, this variant has not been reported in the literature. This variant is reported in 0.0076% of alleles in individuals of African descent in gnomAD. At this time, the clinical significance of this variant is uncertain due to the absence of conclusive functional and genetic evidence.

Ambry Genetics
Classification: Uncertain significance. Last evaluated: 2021-12-06. Review status: criteria provided, single submitter. Criteria: Ambry Variant Classification Scheme 2023. Collection method: clinical testing. Allele origin: germline.